The following is an entry in ClinVar:

NM_003001.5(SDHC):c.478G>T (p.Val160Leu)

Gene: SDHC (succinate dehydrogenase complex subunit C; plus strand). Cytogenetic location: 1q23.3.
Variant type: single nucleotide variant.
Coding change: c.478G>T on transcript NM_003001.5 (MANE Select); coding-DNA position 478, G replaced by T.
Protein change: p.Val160Leu; replaces valine 160 with leucine.
Molecular consequence: missense variant. On other transcripts: non-coding transcript variant (1).
Genome position (GRCh38, 1-based): chr1:161,362,401, G>T. VCF-style: chr1-161362401-G-T. GRCh37 (hg19) VCF-style: chr1-161332191-G-T.
Other names: c.367G>T, p.Val123Leu (NM_001407119.1, NM_001407120.1); c.257G>T, p.Cys86Phe (NM_001407121.1); c.314G>T, p.Cys105Phe (NM_001035511.3); c.376G>T, p.Val126Leu (NM_001035512.3); c.319G>T, p.Val107Leu (NM_001035513.3); c.212G>T, p.Cys71Phe (NM_001278172.3); c.598G>T, p.Val200Leu (NM_001407115.1); c.421G>T, p.Val141Leu (NM_001407116.1); and 2 more; short protein forms C105F, V139L, C71F, V126L, V200L, C86F, V107L, V123L.
Identifiers: ClinVar variation 5029314 (VCV005029314.1).

ClinVar aggregate classification (germline): Uncertain significance (1 of 4 stars; one submission).

Conditions:
Hereditary cancer-predisposing syndrome. Also called: Neoplastic Syndromes, Hereditary; Tumor predisposition; Hereditary neoplastic syndrome; Hereditary Cancer Syndrome. Identifiers: Orphanet 140162, MedGen C0027672, MeSH D009386, MONDO:0015356.

Submission:

Ambry Genetics
Classification: Uncertain significance for Hereditary cancer-predisposing syndrome. Last evaluated: 2026-07-06. Review status: criteria provided, single submitter. Criteria: Ambry Variant Classification Scheme 2023. Collection method: clinical testing. Allele origin: germline.
Comment: The p.V160L variant (also known as c.478G>T), located in coding exon 6 of the SDHC gene, results from a G to T substitution at nucleotide position 478. The valine at codon 160 is replaced by leucine, an amino acid with highly similar properties. This amino acid position is conserved. In addition, this alteration is predicted to be deleterious by in silico analysis. Based on the available evidence, the clinical significance of this variant remains unclear.